The following is an entry in ClinVar:

ClinVar aggregate classification (germline): Conflicting classifications of pathogenicity. Review status: criteria provided, conflicting classifications (1 of 4 stars). 3 submissions from 3 submitters: Uncertain significance (2); Likely benign (1). Last evaluated 2025-09-08.

Conditions:
Nephronophthisis. Also called: Juvenile Nephronophthisis. Identifiers: Orphanet 655, MedGen C0687120, MONDO:0019005, HP:0000090.
Inborn genetic diseases. Identifiers: MedGen C0950123, MeSH D030342.

Allele frequency attached by ClinVar (database versions not stated): gnomAD exomes below 0.00001 and 0.00001; TOPMed below 0.00001; gnomAD 0.00001.
gnomAD v4.1: 21 of 1,610,674 alleles (0.0013%); highest among the groups gnomAD compares: Non-Finnish European, 0.0015%; no homozygotes.

Submissions (3):

Labcorp Genetics (formerly Invitae), Labcorp
Classification: Uncertain significance for Nephronophthisis. Last evaluated: 2025-09-08. Review status: criteria provided, single submitter. Criteria: Invitae Variant Classification Sherloc (09022015). Collection method: clinical testing. Allele origin: germline.
Comment: This sequence change replaces threonine, which is neutral and polar, with methionine, which is neutral and non-polar, at codon 477 of the NPHP4 protein (p.Thr477Met). This variant is present in population databases (no rsID available, gnomAD 0.002%). This variant has not been reported in the literature in individuals affected with NPHP4-related conditions. ClinVar contains an entry for this variant (Variation ID: 286321). Invitae Evidence Modeling of protein sequence and biophysical properties (such as structural, functional, and spatial information, amino acid conservation, physicochemical variation, residue mobility, and thermodynamic stability) indicates that this missense variant is not expected to disrupt NPHP4 protein function with a negative predictive value of 80%. In summary, the available evidence is currently insufficient to determine the role of this variant in disease. Therefore, it has been classified as a Variant of Uncertain Significance.

Ambry Genetics
Classification: Likely benign for Inborn genetic diseases. Last evaluated: 2025-08-25. Review status: criteria provided, single submitter. Criteria: Ambry Variant Classification Scheme 2023. Collection method: clinical testing. Allele origin: germline.

Eurofins Ntd Llc (ga)
Classification: Uncertain significance. Last evaluated: 2016-02-25. Review status: criteria provided, single submitter. Criteria: EGL Classification Definitions 2015. Collection method: clinical testing. Allele origin: germline. Observed: 1 variant allele, 1 heterozygote.

NM_015102.5(NPHP4):c.1430C>T (p.Thr477Met)

Gene: NPHP4 (nephrocystin 4; minus strand). Cytogenetic location: 1p36.31.
Variant type: single nucleotide variant.
Coding change: c.1430C>T on transcript NM_015102.5 (MANE Select); coding-DNA position 1430, C replaced by T.
Protein change: p.Thr477Met; replaces threonine 477 with methionine.
Molecular consequence: missense variant. On other transcripts: non-coding transcript variant (1).
Genome position (GRCh38, 1-based): chr1:5,927,660, G>A on the plus strand (C>T on the coding strand, the complement: NPHP4 is on the minus strand). VCF-style: chr1-5927660-G-A. GRCh37 (hg19) VCF-style: chr1-5987720-G-A.
Other names: c.1430C>T (NM_015102.3); c.64C>T, p.Arg22Cys (NM_001291593.2, NM_001291594.2); short protein forms T477M, R22C.
Identifiers: ClinVar variation 286321 (VCV000286321.9), dbSNP rs886043364, ClinGen allele CA10605434.
Genomic context (GRCh38, chr1:5,927,660, plus strand): 5'-AGTGCTGCCTGCCATGTGCCTGGCCAGTCAGCTCTCTGGAAACACTTACTCGAAGGGGAC[G>A]TGGGTGGTTTCCTGGAAGGCCGCCGCTCCACTTTGGGGCCACTGACAGGCTCCGTGGGTG-3'
Protein context (NP_055917.1, residues 467-487): VERRPSRKPP[Thr477Met]SPSSPPAPVP